The following is an entry in ClinVar:

ClinVar aggregate classification (germline): Benign/Likely benign. Review status: criteria provided, multiple submitters, no conflicts (2 of 4 stars). 4 submissions from 4 submitters: Benign (3); Likely benign (1). Last evaluated 2026-01-19.

Conditions:
Pyruvate dehydrogenase E2 deficiency (PDHDD). Also called: LACTIC ACIDEMIA DUE TO DEFECT OF E2 LIPOYL TRANSACETYLASE OF THE PYRUVATE DEHYDROGENASE COMPLEX; Dihydrolipoamide Acetyltransferase (E2) Deficiency. Identifiers: Orphanet 765, Orphanet 79244, MedGen C1855565, MONDO:0009502, OMIM 245348.

Allele frequency attached by ClinVar (database versions not stated): ESP Exome Variant Server 0.00046; gnomAD 0.00077 and 0.00087; 1000 Genomes Project 0.00080; gnomAD exomes 0.00084 and 0.00134; 1000 Genomes Project 30x 0.00109; TOPMed 0.00111; ExAC 0.00126.
gnomAD v4.1: 1,412 of 1,614,068 alleles (0.087%); highest among the groups gnomAD compares: Middle Eastern, 1.4%; 8 homozygotes.

Submissions (4):

Labcorp Genetics (formerly Invitae), Labcorp
Classification: Benign for Pyruvate dehydrogenase E2 deficiency. Last evaluated: 2026-01-19. Review status: criteria provided, single submitter. Criteria: Invitae Variant Classification Sherloc (09022015). Collection method: clinical testing. Allele origin: germline.

Blueprint Genetics
Classification: Likely benign. Last evaluated: 2024-11-25. Review status: criteria provided, single submitter. Criteria: ACMG Guidelines, 2015. Collection method: clinical testing. Allele origin: germline.

GeneDx
Classification: Benign. Last evaluated: 2013-04-10. Review status: criteria provided, single submitter. Criteria: GeneDx Variant Classification (06012015). Collection method: clinical testing. Allele origin: germline. Affected: yes.
Comment: This variant is considered likely benign or benign based on one or more of the following criteria: it is a conservative change, it occurs at a poorly conserved position in the protein, it is predicted to be benign by multiple in silico algorithms, and/or has population frequency not consistent with disease.

Breakthrough Genomics
Classification: Benign. Review status: criteria provided, single submitter. Criteria: ACMG Guidelines, 2015. Collection method: not provided. Allele origin: germline. Inheritance: Autosomal recessive inheritance. Affected: yes.

NM_001931.5(DLAT):c.506+11C>T

Gene: DLAT (dihydrolipoamide S-acetyltransferase; plus strand). Cytogenetic location: 11q23.1.
Variant type: single nucleotide variant.
Coding change: c.506+11C>T on transcript NM_001931.5 (MANE Select); 11 bases into the intron after coding-DNA position 506, C replaced by T.
Molecular consequence: intron variant.
Genome position (GRCh38, 1-based): chr11:112,028,650, C>T. VCF-style: chr11-112028650-C-T. GRCh37 (hg19) VCF-style: chr11-111899374-C-T.
Other names: c.44+7C>T (NM_001372042.1); c.506+11C>T (NM_001372031.1, NM_001372033.1, NM_001372035.1 and 3 more transcripts); c.381+2351C>T (NM_001372038.1); c.364+2368C>T (NM_001372040.1); c.473+11C>T (NM_001372034.1); c.380+11C>T (NM_001372036.1); c.338+11C>T (NM_001372037.1).
Identifiers: ClinVar variation 137088 (VCV000137088.12), dbSNP rs77846695, ClinGen allele CA290596.
Genomic context (GRCh38, chr11:112,028,650, plus strand): 5'-GGTACCAGGGATGTTCCCATCGGAGCGATCATCTGTATCACAGTTGGCAAGTGAGTAGTG[C>T]GCTCATAATTTGTGGAACTTCATTGCTTGGTGGAGTATTTTACCCAGAATTGAGAATTAG-3'